The following is an entry in ClinVar:

ClinVar aggregate classification (germline): Uncertain significance (1 of 4 stars; one submission).

Conditions:
Methylcobalamin deficiency type cblE (HMAE). Also called: VITAMIN B12-RESPONSIVE HOMOCYSTINURIA, cblE TYPE; HOMOCYSTINURIA-MEGALOBLASTIC ANEMIA, cblE COMPLEMENTATION TYPE; HOMOCYSTINURIA-MEGALOBLASTIC ANEMIA, cblE TYPE. Identifiers: Orphanet 2169, Orphanet 622, MedGen C1856057, MONDO:0009354, OMIM 236270.

Allele frequency attached by ClinVar (database versions not stated): gnomAD exomes below 0.00001.
gnomAD v4.1: 3 of 1,613,462 alleles (0.00019%); highest among the groups gnomAD compares: South Asian, 0.0011%; no homozygotes.

Submission:

Labcorp Genetics (formerly Invitae), Labcorp
Classification: Uncertain significance for Methylcobalamin deficiency type cblE. Last evaluated: 2022-10-13. Review status: criteria provided, single submitter. Criteria: Invitae Variant Classification Sherloc (09022015). Collection method: clinical testing. Allele origin: germline.
Comment: In summary, the available evidence is currently insufficient to determine the role of this variant in disease. Therefore, it has been classified as a Variant of Uncertain Significance. Advanced modeling of protein sequence and biophysical properties (such as structural, functional, and spatial information, amino acid conservation, physicochemical variation, residue mobility, and thermodynamic stability) has been performed at Invitae for this missense variant, however the output from this modeling did not meet the statistical confidence thresholds required to predict the impact of this variant on MTRR protein function. ClinVar contains an entry for this variant (Variation ID: 1424773). This variant has not been reported in the literature in individuals affected with MTRR-related conditions. This variant is not present in population databases (gnomAD no frequency). This sequence change replaces proline, which is neutral and non-polar, with leucine, which is neutral and non-polar, at codon 357 of the MTRR protein (p.Pro357Leu).

NM_002454.3(MTRR):c.1070C>T (p.Pro357Leu)

Gene: MTRR (5-methyltetrahydrofolate-homocysteine methyltransferase reductase; plus strand). Cytogenetic location: 5p15.31.
Variant type: single nucleotide variant.
Coding change: c.1070C>T on transcript NM_002454.3 (MANE Select); coding-DNA position 1070, C replaced by T.
Protein change: p.Pro357Leu; replaces proline 357 with leucine.
Molecular consequence: missense variant. On other transcripts: non-coding transcript variant (12).
Genome position (GRCh38, 1-based): chr5:7,886,627, C>T. VCF-style: chr5-7886627-C-T. GRCh37 (hg19) VCF-style: chr5-7886740-C-T.
Other names: c.1070C>T, p.Pro357Leu (NM_001364440.2, NM_001364441.2, NM_001364442.2 and 1 more transcripts); short protein forms P357L.
Identifiers: ClinVar variation 1424773 (VCV001424773.6), dbSNP rs2126751184, ClinGen allele CA359158109.
Genomic context (GRCh38, chr5:7,886,627, plus strand): 5'-TCTTCATCTTCTATGTCATGAACCCCTTTCCCGTCTTTACCTGAAAAGGAGCTACCTTAC[C>T]CCAGCATATACCTGCGGGATGTTCTCTCCAGTTCATTTTTACCTGGTGTCTTGAAATCCG-3'
Protein context (NP_002445.2, residues 347-367): ADTKKKGATL[Pro357Leu]QHIPAGCSLQ